The following is an entry in ClinVar:

ClinVar aggregate classification (germline): Likely benign (1 of 4 stars; one submission).

Conditions:
SPTLC1-related disorder. Also called: SPTLC1-related condition.

gnomAD v4.1: 217 of 1,612,854 alleles (0.013%); highest among the groups gnomAD compares: African/African-American, 0.23%; no homozygotes.

Submission:

PreventionGenetics, part of Exact Sciences
Classification: Likely benign for SPTLC1-related condition. Last evaluated: 2025-03-28. Review status: criteria provided, single submitter. Criteria: ACMG Guidelines, 2015. Collection method: clinical testing. Allele origin: germline.
Comment: This variant is classified as likely benign based on ACMG/AMP sequence variant interpretation guidelines (Richards et al. 2015 PMID: 25741868, with internal and published modifications).

NM_006415.4(SPTLC1):c.*61G>A

Gene: SPTLC1 (serine palmitoyltransferase long chain base subunit 1; minus strand). Cytogenetic location: 9q22.31.
Variant type: single nucleotide variant.
Coding change: c.*61G>A on transcript NM_006415.4 (MANE Select); 61 bases downstream of the stop codon, G replaced by A.
Molecular consequence: 3 prime UTR variant. On other transcripts: missense variant (1).
Genome position (GRCh38, 1-based): chr9:92,032,404, C>T on the plus strand (G>A on the coding strand, the complement: SPTLC1 is on the minus strand). VCF-style: chr9-92032404-C-T. GRCh37 (hg19) VCF-style: chr9-94794686-C-T.
Other names: c.1451G>A, p.Arg484His (NM_001281303.2); c.*61G>A (NM_001368272.1, NM_001368273.1); short protein forms R484H.
Identifiers: ClinVar variation 4983524 (VCV004983524.1).
Genomic context (GRCh38, chr9:92,032,404, plus strand): 5'-GTAACAATCCTATCAAAGATCCACATGTTCTTGCTCTCTTTCAGGCCACTCCATGGCCAG[C>T]GGGAGTCTTGAGTCCTCTCTGCGTGTTGTGTGGCAGGAGGCCATGGTCCCGGGACTCTGC-3'